The following is an entry in ClinVar:

NM_002739.5(PRKCG):c.1772C>T (p.Thr591Ile)

Gene: PRKCG (protein kinase C gamma; plus strand). Cytogenetic location: 19q13.42.
Variant type: single nucleotide variant.
Coding change: c.1772C>T on transcript NM_002739.5 (MANE Select); coding-DNA position 1772, C replaced by T.
Protein change: p.Thr591Ile; replaces threonine 591 with isoleucine.
Molecular consequence: missense variant.
Genome position (GRCh38, 1-based): chr19:53,906,324, C>T. VCF-style: chr19-53906324-C-T. GRCh37 (hg19) VCF-style: chr19-54409578-C-T.
Other names: c.1772C>T, p.Thr591Ile (NM_001316329.2); short protein forms T591I.
Identifiers: ClinVar variation 5018291 (VCV005018291.1).

ClinVar aggregate classification (germline): Uncertain significance (1 of 4 stars; one submission).

gnomAD v4.1: 1 of 1,551,432 alleles (0.000064%); highest among the groups gnomAD compares: Non-Finnish European, 0.000087%; no homozygotes.

Submission:

GeneDx
Classification: Uncertain significance. Last evaluated: 2026-04-07. Review status: criteria provided, single submitter. Criteria: GeneDx Variant Classification Process June 2021. Collection method: clinical testing. Allele origin: germline.
Comment: Not observed at significant frequency in large population cohorts (gnomAD); In silico analysis supports that this missense variant has a deleterious effect on protein structure/function; Has not been previously published as pathogenic or benign to our knowledge